The following is an entry in ClinVar:

NM_000322.5(PRPH2):c.927G>T (p.Glu309Asp)

Gene: PRPH2 (peripherin 2; minus strand). Cytogenetic location: 6p21.1.
Variant type: single nucleotide variant.
Coding change: c.927G>T on transcript NM_000322.5 (MANE Select); coding-DNA position 927, G replaced by T.
Protein change: p.Glu309Asp; replaces glutamic acid 309 with aspartic acid.
Molecular consequence: missense variant.
Genome position (GRCh38, 1-based): chr6:42,698,409, C>A on the plus strand (G>T on the coding strand, the complement: PRPH2 is on the minus strand). VCF-style: chr6-42698409-C-A. GRCh37 (hg19) VCF-style: chr6-42666147-C-A.
Other names: short protein forms E309D.
Identifiers: ClinVar variation 812383 (VCV000812383.13), dbSNP rs759011231, ClinGen allele CA3808480.

ClinVar aggregate classification (germline): Conflicting classifications of pathogenicity. Review status: criteria provided, conflicting classifications (1 of 4 stars). 8 submissions from 8 submitters: Likely pathogenic (2); Uncertain significance (4). 2 of the submissions do not count toward it. Last evaluated 2025-04-14.

Conditions:
PRPH2-related disorder. Also called: PRPH2-related condition; PRPH2-related disorders. Identifiers: MedGen CN239395.
Pigmentary retinal dystrophy. Also called: Fundus albipunctatus. Identifiers: Orphanet 227796, Orphanet 52427, MedGen C0311338, MONDO:0007639, OMIM 136880, HP:0030642.
Choroidal dystrophy, central areolar 2 (CACD2). Also called: Choriodal Dystrophy, Central Areolar 2; MACULAR DYSTROPHY, PROGRESSIVE. Identifiers: Orphanet 75377, MedGen C2751290, MONDO:0013137, OMIM 613105.
Vitelliform macular dystrophy 3 (VMD3). Also called: PRPH2 vitelliform macular dystrophy; vitelliform macular dystrophy caused by mutation in PRPH2. Identifiers: MedGen CN295869, MONDO:0024561, OMIM 608161.
Retinitis pigmentosa 7 (RP7). Identifiers: Orphanet 791, MedGen C1842475, MONDO:0011974, OMIM 608133.
Patterned macular dystrophy 1. Also called: BUTTERFLY DYSTROPHY OF RETINAL PIGMENT EPITHELIUM; MACULAR DYSTROPHY, BUTTERFLY-SHAPED PIGMENTARY. Identifiers: Orphanet 99001, MedGen C4551999, MONDO:0008210, OMIM 169150.
Retinal dystrophy. Also called: Inherited retinal dystrophy. Identifiers: Orphanet 71862, MedGen C0854723, MeSH D058499, MONDO:0019118, HP:0000556.
Retinitis pigmentosa (RP). Identifiers: Orphanet 791, MedGen C0035334, MeSH D012174, MONDO:0019200, OMIM 268000. Inheritance: Autosomal dominant, autosomal recessive and X linked inheritance.

Allele frequency attached by ClinVar (database versions not stated): gnomAD exomes 0.00001; ExAC 0.00002; gnomAD 0.00002 and 0.00003; TOPMed 0.00002.

Submissions (8):

First Genomix Gene Laboratory, Genetic Diagnostics Department
Classification: Likely pathogenic for Retinitis pigmentosa 7; Pigmentary retinal dystrophy. Last evaluated: 2025-04-14. Review status: criteria provided, single submitter. Criteria: ACMG Guidelines, 2015. Collection method: clinical testing. Allele origin: germline. Inheritance: Autosomal recessive inheritance. Affected: no. Observed: 1 variant allele.

Blueprint Genetics
Classification: Uncertain significance. Last evaluated: 2024-08-02. Review status: criteria provided, single submitter. Criteria: ACMG Guidelines, 2015. Collection method: clinical testing. Allele origin: germline.

Labcorp Genetics (formerly Invitae), Labcorp
Classification: Uncertain significance for PRPH2-related disorder. Last evaluated: 2024-06-02. Review status: criteria provided, single submitter. Criteria: Invitae Variant Classification Sherloc (09022015). Collection method: clinical testing. Allele origin: germline.
Comment: This sequence change replaces glutamic acid, which is acidic and polar, with aspartic acid, which is acidic and polar, at codon 309 of the PRPH2 protein (p.Glu309Asp). This variant is present in population databases (rs759011231, gnomAD 0.003%). This missense change has been observed in individuals with autosomal dominant retinitis pigmentosa (PMID: 31456290; Invitae). ClinVar contains an entry for this variant (Variation ID: 812383). Advanced modeling of protein sequence and biophysical properties (such as structural, functional, and spatial information, amino acid conservation, physicochemical variation, residue mobility, and thermodynamic stability) has been performed at Invitae for this missense variant, however the output from this modeling did not meet the statistical confidence thresholds required to predict the impact of this variant on PRPH2 protein function. In summary, the available evidence is currently insufficient to determine the role of this variant in disease. Therefore, it has been classified as a Variant of Uncertain Significance.

Department of Pathology and Laboratory Medicine, Sinai Health System
Classification: Uncertain significance for Pigmentary retinal dystrophy; Patterned macular dystrophy 1; Retinitis pigmentosa 7; Vitelliform macular dystrophy 3; Choroidal dystrophy, central areolar 2. Last evaluated: 2023-04-08. Review status: criteria provided, single submitter. Criteria: ACMG Guidelines, 2015. Collection method: research. Allele origin: germline.

Institute of Human Genetics, Univ. Regensburg, Univ. Regensburg
Classification: Likely pathogenic for Retinal dystrophy. Last evaluated: 2023-01-01. Review status: criteria provided, single submitter. Criteria: ACMG Guidelines, 2015. Collection method: clinical testing. Allele origin: germline. Affected: yes.

Breakthrough Genomics
Classification: Uncertain significance. Review status: criteria provided, single submitter. Criteria: ACMG Guidelines, 2015. Collection method: not provided. Allele origin: germline. Inheritance: Autosomal recessive inheritance. Affected: yes.

Leiden Open Variation Database
Classification: Likely pathogenic. Last evaluated: 2020-08-28. Review status: no assertion criteria provided. Collection method: curation. Allele origin: germline. Affected: yes. Not counted in ClinVar's aggregate classification.
Comment: Curator: Global Variome, with Curator vacancy. Submitter to LOVD: Global Variome, with Curator vacancy.

Sharon lab, Hadassah-Hebrew University Medical Center
Classification: Likely pathogenic for Retinitis pigmentosa. Last evaluated: 2019-06-23. Review status: no assertion criteria provided. Collection method: research. Allele origin: inherited. Affected: yes. Not counted in ClinVar's aggregate classification.

Literature cited by the submitters: PubMed 31456290 (cited by 3 submitters).